The following is an entry in ClinVar:

NM_000400.4(ERCC2):c.350T>G (p.Ile117Ser)

Gene: ERCC2 (ERCC excision repair 2, TFIIH core complex helicase subunit; minus strand). Cytogenetic location: 19q13.32.
Variant type: single nucleotide variant.
Coding change: c.350T>G on transcript NM_000400.4 (MANE Select); coding-DNA position 350, T replaced by G.
Protein change: p.Ile117Ser; replaces isoleucine 117 with serine.
Molecular consequence: missense variant.
Genome position (GRCh38, 1-based): chr19:45,368,640, A>C on the plus strand (T>G on the coding strand, the complement: ERCC2 is on the minus strand). VCF-style: chr19-45368640-A-C. GRCh37 (hg19) VCF-style: chr19-45871898-A-C.
Other names: c.278T>G, p.Ile93Ser (NM_001130867.2); short protein forms I93S, I117S.
Identifiers: ClinVar variation 1732154 (VCV001732154.2), dbSNP rs2514043641, ClinGen allele CA406377966.
Genomic context (GRCh38, chr19:45,368,640, plus strand): 5'-AGTTTTCTCTACCTCTGGGCTAAGGGCAAGGAGAAGGAACAGGTGCTCACCTCAGGGTGA[A>C]TACACAAGTTTTTGCGGGAGCTCAGAGCCAGTCCCAGAAACGGCAGCTTCTCGCCCTCCT-3'
Protein context (NP_000391.1, residues 107-127): LALSSRKNLC[Ile117Ser]HPEVTPLRFG

ClinVar aggregate classification (germline): Uncertain significance (1 of 4 stars; one submission).

Conditions:
Inborn genetic diseases. Identifiers: MedGen C0950123, MeSH D030342.

Submission:

Ambry Genetics
Classification: Uncertain significance for Inborn genetic diseases. Last evaluated: 2021-06-30. Review status: criteria provided, single submitter. Criteria: Ambry Variant Classification Scheme 2023. Collection method: clinical testing. Allele origin: germline.
Comment: The p.I117S variant (also known as c.350T>G), located in coding exon 5 of the ERCC2 gene, results from a T to G substitution at nucleotide position 350. The isoleucine at codon 117 is replaced by serine, an amino acid with dissimilar properties. This amino acid position is conserved. In addition, this alteration is predicted to be deleterious by in silico analysis. Since supporting evidence is limited at this time, the clinical significance of this alteration remains unclear.